The following is an entry in ClinVar:

NM_002335.4(LRP5):c.3637+4C>T

Gene: LRP5 (LDL receptor related protein 5; plus strand). Cytogenetic location: 11q13.2.
Variant type: single nucleotide variant.
Coding change: c.3637+4C>T on transcript NM_002335.4 (MANE Select); 4 bases into the intron after coding-DNA position 3637, C replaced by T.
Molecular consequence: intron variant.
Genome position (GRCh38, 1-based): chr11:68,426,191, C>T. VCF-style: chr11-68426191-C-T. GRCh37 (hg19) VCF-style: chr11-68193659-C-T.
Other names: c.1894+4C>T (NM_001291902.2).
Identifiers: ClinVar variation 1369175 (VCV001369175.11), dbSNP rs746451473, ClinGen allele CA6150044.

ClinVar aggregate classification (germline): Uncertain significance. Review status: criteria provided, multiple submitters, no conflicts (2 of 4 stars). 3 submissions from 3 submitters: Uncertain significance (3). Last evaluated 2026-06-05.

Conditions:
Worth disease. Also called: ENDOSTEAL HYPEROSTOSIS, AUTOSOMAL DOMINANT; OSTEOSCLEROSIS, AUTOSOMAL DOMINANT; Autosomal dominant osteosclerosis, Worth type. Identifiers: Orphanet 2790, MedGen C0432273, MONDO:0007764, OMIM 144750.
Bone mineral density quantitative trait locus 1 (BMND1). Identifiers: MedGen C1866079, OMIM 601884.
Exudative vitreoretinopathy 4 (EVR4). Identifiers: Orphanet 891, MedGen C1866176, MONDO:0011151, OMIM 601813.
Osteoporosis with pseudoglioma (OPPG). Also called: osteoporosis-pseudoglioma syndrome. Identifiers: Orphanet 2788, MedGen C0432252, MONDO:0009820, OMIM 259770.
Autosomal dominant osteopetrosis 1 (OPTA1). Also called: OSTEOPETROSIS, AUTOSOMAL DOMINANT, TYPE I. Identifiers: Orphanet 2783, MedGen C1843330, MONDO:0011877, OMIM 607634.
Polycystic liver disease 4 with or without kidney cysts. Identifiers: MedGen C4693479, MONDO:0044327, OMIM 617875.

Allele frequency attached by ClinVar (database versions not stated): gnomAD 0.00002; gnomAD exomes 0.00002; ExAC 0.00003; TOPMed 0.00005.
gnomAD v4.1: 37 of 1,609,726 alleles (0.0023%); highest among the groups gnomAD compares: East Asian, 0.02%; no homozygotes.

Submissions (3):

Women's Health and Genetics/Laboratory Corporation of America, LabCorp
Classification: Uncertain significance. Last evaluated: 2026-06-05. Review status: criteria provided, single submitter. Criteria: LabCorp Variant Classification Summary - May 2015. Collection method: clinical testing. Allele origin: germline.
Comment: Variant summary: LRP5 c.3637+4C>T alters a conserved nucleotide located close to a canonical splice site and therefore could affect mRNA splicing, leading to a significantly altered protein sequence. Several computational tools predict a significant impact on normal splicing: Two predict the variant weakens a 5' donor site. However, these predictions have yet to be confirmed by functional studies. The variant allele was found at a frequency of 2.4e-05 in 245234 control chromosomes. The available data on variant occurrences in the general population are insufficient to allow any conclusion about variant significance. c.3637+4C>T has been observed in the heterozygous state in individual(s) affected with familial exudative vitreoretinopathy (Tang_2017, Chen_2022). These reports do not provide unequivocal conclusions about association of the variant with disease. To our knowledge, no experimental evidence demonstrating an impact on protein function has been reported. The following publications have been ascertained in the context of this evaluation (PMID: 36018796, 29181528). ClinVar contains an entry for this variant (Variation ID: 1369175). Based on the evidence outlined above, the variant was classified as uncertain significance.

Labcorp Genetics (formerly Invitae), Labcorp
Classification: Uncertain significance. Last evaluated: 2025-10-05. Review status: criteria provided, single submitter. Criteria: Invitae Variant Classification Sherloc (09022015). Collection method: clinical testing. Allele origin: germline.
Comment: This sequence change falls in intron 16 of the LRP5 gene. It does not directly change the encoded amino acid sequence of the LRP5 protein. It affects a nucleotide within the consensus splice site. This variant is present in population databases (rs746451473, gnomAD 0.03%). This variant has been observed in individual(s) with familial exudative vitreoretinopathy (PMID: 29181528). ClinVar contains an entry for this variant (Variation ID: 1369175). Variants that disrupt the consensus splice site are a relatively common cause of aberrant splicing (PMID: 17576681, 9536098). Algorithms developed to predict the effect of sequence changes on RNA splicing suggest that this variant is not likely to affect RNA splicing. In summary, the available evidence is currently insufficient to determine the role of this variant in disease. Therefore, it has been classified as a Variant of Uncertain Significance.

Fulgent Genetics
Classification: Uncertain significance for Worth disease; Osteoporosis with pseudoglioma; Exudative vitreoretinopathy 4; Bone mineral density quantitative trait locus 1; Autosomal dominant osteopetrosis 1; Polycystic liver disease 4 with or without kidney cysts. Last evaluated: 2024-04-05. Review status: criteria provided, single submitter. Criteria: ACMG Guidelines, 2015. Collection method: clinical testing. Allele origin: germline.

Literature cited by the submitters: PubMed 36018796 (cited by Women's Health and Genetics/Laboratory Corporation of America, LabCorp); PubMed 29181528 (cited by Women's Health and Genetics/Laboratory Corporation of America, LabCorp and Labcorp Genetics (formerly Invitae), Labcorp); PubMed 17576681 (cited by Labcorp Genetics (formerly Invitae), Labcorp); PubMed 9536098 (cited by Labcorp Genetics (formerly Invitae), Labcorp).